The following is an entry in ClinVar:

NM_172364.5(CACNA2D4):c.649+4G>A

Gene: CACNA2D4 (calcium voltage-gated channel auxiliary subunit alpha2delta 4; minus strand). Cytogenetic location: 12p13.33.
Variant type: single nucleotide variant.
Coding change: c.649+4G>A on transcript NM_172364.5 (MANE Select); 4 bases into the intron after coding-DNA position 649, G replaced by A.
Molecular consequence: intron variant.
Genome position (GRCh38, 1-based): chr12:1,907,871, C>T on the plus strand (G>A on the coding strand, the complement: CACNA2D4 is on the minus strand). VCF-style: chr12-1907871-C-T. GRCh37 (hg19) VCF-style: chr12-2017037-C-T.
Identifiers: ClinVar variation 955466 (VCV000955466.9), dbSNP rs1866703237, ClinGen allele CA1139662449.

ClinVar aggregate classification (germline): Uncertain significance (1 of 4 stars; one submission).

Allele frequency attached by ClinVar (database versions not stated): gnomAD exomes below 0.00001; TOPMed below 0.00001.
gnomAD v4.1: 2 of 1,613,968 alleles (0.00012%); highest among the groups gnomAD compares: Middle Eastern, 0.017%; no homozygotes.

Submission:

Labcorp Genetics (formerly Invitae), Labcorp
Classification: Uncertain significance. Last evaluated: 2023-07-03. Review status: criteria provided, single submitter. Criteria: Invitae Variant Classification Sherloc (09022015). Collection method: clinical testing. Allele origin: germline.
Comment: In summary, the available evidence is currently insufficient to determine the role of this variant in disease. Therefore, it has been classified as a Variant of Uncertain Significance. Variants that disrupt the consensus splice site are a relatively common cause of aberrant splicing (PMID: 17576681, 9536098). Algorithms developed to predict the effect of sequence changes on RNA splicing suggest that this variant may create or strengthen a splice site. This sequence change falls in intron 5 of the CACNA2D4 gene. It does not directly change the encoded amino acid sequence of the CACNA2D4 protein. It affects a nucleotide within the consensus splice site. This variant is not present in population databases (gnomAD no frequency). This variant has not been reported in the literature in individuals affected with CACNA2D4-related conditions. ClinVar contains an entry for this variant (Variation ID: 955466).

Literature cited by the submitters: PubMed 17576681; PubMed 9536098.